The following is an entry in ClinVar:

NM_005431.2(XRCC2):c.332G>T (p.Cys111Phe)

Gene: XRCC2 (X-ray repair cross complementing 2; minus strand). Cytogenetic location: 7q36.1.
Variant type: single nucleotide variant.
Coding change: c.332G>T on transcript NM_005431.2 (MANE Select); coding-DNA position 332, G replaced by T.
Protein change: p.Cys111Phe; replaces cysteine 111 with phenylalanine.
Molecular consequence: missense variant.
Genome position (GRCh38, 1-based): chr7:152,649,153, C>A on the plus strand (G>T on the coding strand, the complement: XRCC2 is on the minus strand). VCF-style: chr7-152649153-C-A. GRCh37 (hg19) VCF-style: chr7-152346238-C-A.
Other names: short protein forms C111F.
Identifiers: ClinVar variation 656045 (VCV000656045.9), dbSNP rs1590129644, ClinGen allele CA370198928.

ClinVar aggregate classification (germline): Uncertain significance. Review status: criteria provided, multiple submitters, no conflicts (2 of 4 stars). 2 submissions from 2 submitters: Uncertain significance (2). Last evaluated 2022-05-27.

gnomAD v4.1: 1 of 1,613,600 alleles (0.000062%); highest among the groups gnomAD compares: South Asian, 0.0011%; no homozygotes.

Submissions (2):

Clinical Genetics Laboratory, Skane University Hospital Lund
Classification: Uncertain significance. Last evaluated: 2022-05-27. Review status: criteria provided, single submitter. Criteria: ACMG Guidelines, 2015. Collection method: clinical testing. Allele origin: germline. Affected: yes.

Labcorp Genetics (formerly Invitae), Labcorp
Classification: Uncertain significance. Last evaluated: 2018-07-01. Review status: criteria provided, single submitter. Criteria: Invitae Variant Classification Sherloc (09022015). Collection method: clinical testing. Allele origin: germline.
Comment: In summary, the available evidence is currently insufficient to determine the role of this variant in disease. Therefore, it has been classified as a Variant of Uncertain Significance. Algorithms developed to predict the effect of missense changes on protein structure and function (SIFT, PolyPhen-2, Align-GVGD) all suggest that this variant is likely to be disruptive, but these predictions have not been confirmed by published functional studies and their clinical significance is uncertain. This variant has not been reported in the literature in individuals with XRCC2-related disease. This variant is not present in population databases (ExAC no frequency). This sequence change replaces cysteine with phenylalanine at codon 111 of the XRCC2 protein (p.Cys111Phe). The cysteine residue is highly conserved and there is a large physicochemical difference between cysteine and phenylalanine.